The following is an entry in ClinVar:

NM_014946.4(SPAST):c.1450G>C (p.Gly484Arg)

Gene: SPAST (spastin; plus strand). Cytogenetic location: 2p22.3.
Variant type: single nucleotide variant.
Coding change: c.1450G>C on transcript NM_014946.4 (MANE Select); coding-DNA position 1450, G replaced by C.
Protein change: p.Gly484Arg; replaces glycine 484 with arginine.
Molecular consequence: missense variant.
Genome position (GRCh38, 1-based): chr2:32,137,145, G>C. VCF-style: chr2-32137145-G-C. GRCh37 (hg19) VCF-style: chr2-32362214-G-C.
Other names: c.1354G>C, p.Gly452Arg (NM_199436.2, NM_001377959.1); c.1447G>C, p.Gly483Arg (NM_001363823.2); c.1351G>C, p.Gly451Arg (NM_001363875.2); short protein forms G484R, G451R, G452R, G483R.
Identifiers: ClinVar variation 448447 (VCV000448447.13), dbSNP rs1553318317, ClinGen allele CA346502457.
Genomic context (GRCh38, chr2:32,137,145, plus strand): 5'-TGAAAAAAGATTTTTTGCTTGTAGGTACAGTCTGCTGGAGATGACAGAGTACTTGTAATG[G>C]GTGCAACTAATAGGCCACAAGAGCTTGATGAGGCTGTTCTCAGGTAGGGAGATTTATATG-3'
Protein context (NP_055761.2, residues 474-494): SAGDDRVLVM[Gly484Arg]ATNRPQELDE

ClinVar aggregate classification (germline): Conflicting classifications of pathogenicity. Review status: criteria provided, conflicting classifications (1 of 4 stars). 4 submissions from 4 submitters: Pathogenic (2); Likely pathogenic (1); Uncertain significance (1). Last evaluated 2025-12-01.

Conditions:
Hereditary spastic paraplegia 4. Also called: Spastic Paraplegia 4; Familial spastic paraplegia autosomal dominant 2; Spastic paraplegia 4, autosomal dominant. Identifiers: Orphanet 100985, MedGen C1866855, MONDO:0008438, OMIM 182601.

Submissions (4):

Labcorp Genetics (formerly Invitae), Labcorp
Classification: Pathogenic for Hereditary spastic paraplegia 4. Last evaluated: 2025-12-01. Review status: criteria provided, single submitter. Criteria: Invitae Variant Classification Sherloc (09022015). Collection method: clinical testing. Allele origin: germline.
Comment: This sequence change replaces glycine, which is neutral and non-polar, with arginine, which is basic and polar, at codon 484 of the SPAST protein (p.Gly484Arg). This variant is not present in population databases (gnomAD no frequency). This missense change has been observed in individuals with clinical features of hereditary spastic paraplegia (PMID: 24731568; internal data). Invitae Evidence Modeling of clinical and family history, age, sex, and reported ancestry of multiple individuals with this SPAST variant has been performed. This variant is expected to be pathogenic with a positive predictive value of at least 99%. This is a validated machine learning model that incorporates the clinical features of 4,195 individuals referred to our laboratory for SPAST testing. ClinVar contains an entry for this variant (Variation ID: 448447). Invitae Evidence Modeling of protein sequence and biophysical properties (such as structural, functional, and spatial information, amino acid conservation, physicochemical variation, residue mobility, and thermodynamic stability) indicates that this missense variant is expected to disrupt SPAST protein function with a positive predictive value of 80%. For these reasons, this variant has been classified as Pathogenic.

GeneDx
Classification: Likely pathogenic. Last evaluated: 2022-03-10. Review status: criteria provided, single submitter. Criteria: GeneDx Variant Classification Process June 2021. Collection method: clinical testing. Allele origin: germline. Affected: yes.
Comment: In silico analysis supports that this missense variant has a deleterious effect on protein structure/function; Not observed at significant frequency in large population cohorts (gnomAD); This variant is associated with the following publications: (PMID: 21139634, 26094131, 24731568, 30476002)

Athena Diagnostics
Classification: Uncertain significance. Last evaluated: 2017-03-10. Review status: criteria provided, single submitter. Criteria: Athena Diagnostics Criteria. Collection method: clinical testing. Allele origin: germline.

Paris Brain Institute, Inserm - ICM
Classification: Pathogenic for Hereditary spastic paraplegia 4. Review status: criteria provided, single submitter. Criteria: ACMG Guidelines, 2015. Collection method: clinical testing. Allele origin: unknown. Affected: yes. Observed: 1 variant allele.

Literature cited by the submitters: PubMed 24731568 (cited by Labcorp Genetics (formerly Invitae), Labcorp and Athena Diagnostics).